The following is an entry in ClinVar:

ClinVar aggregate classification (germline): Uncertain significance. Review status: criteria provided, multiple submitters, no conflicts (2 of 4 stars). 4 submissions from 4 submitters: Uncertain significance (4). Last evaluated 2026-03-01.

Conditions:
FANCG-related disorder. Also called: FANCG-related condition.
Inborn genetic diseases. Identifiers: MedGen C0950123, MeSH D030342.
Fanconi anemia (FA). Also called: Fanconi's anemia. Identifiers: Orphanet 84, MedGen C0015625, MeSH D005199, MONDO:0019391.

gnomAD v4.1: 71 of 1,614,038 alleles (0.0044%); highest among the groups gnomAD compares: Non-Finnish European, 0.0059%; no homozygotes.

Submissions (4):

PreventionGenetics, part of Exact Sciences
Classification: Uncertain significance for FANCG-related condition. Last evaluated: 2026-03-01. Review status: criteria provided, single submitter. Criteria: ACMG Guidelines, 2015. Collection method: clinical testing. Allele origin: germline.
Comment: The FANCG c.1127A>C variant is predicted to result in the amino acid substitution p.Asp376Ala. To our knowledge, this variant has not been reported in the literature. This variant is reported in 0.0015% of alleles in individuals of European (Non-Finnish) descent in gnomAD. At this time, the clinical significance of this variant is uncertain due to the absence of conclusive functional and genetic evidence.

Labcorp Genetics (formerly Invitae), Labcorp
Classification: Uncertain significance for Fanconi anemia. Last evaluated: 2025-09-05. Review status: criteria provided, single submitter. Criteria: Invitae Variant Classification Sherloc (09022015). Collection method: clinical testing. Allele origin: germline.
Comment: This sequence change replaces aspartic acid, which is acidic and polar, with alanine, which is neutral and non-polar, at codon 376 of the FANCG protein (p.Asp376Ala). This variant is present in population databases (no rsID available, gnomAD 0.007%). This variant has not been reported in the literature in individuals affected with FANCG-related conditions. ClinVar contains an entry for this variant (Variation ID: 3605928). Invitae Evidence Modeling of protein sequence and biophysical properties (such as structural, functional, and spatial information, amino acid conservation, physicochemical variation, residue mobility, and thermodynamic stability) has been performed for this missense variant. However, the output from this modeling did not meet the statistical confidence thresholds required to predict the impact of this variant on FANCG protein function. In summary, the available evidence is currently insufficient to determine the role of this variant in disease. Therefore, it has been classified as a Variant of Uncertain Significance.

Ambry Genetics
Classification: Uncertain significance for Inborn genetic diseases. Last evaluated: 2024-12-31. Review status: criteria provided, single submitter. Criteria: Ambry Variant Classification Scheme 2023. Collection method: clinical testing. Allele origin: germline.
Comment: The p.D376A variant (also known as c.1127A>C), located in coding exon 9 of the FANCG gene, results from an A to C substitution at nucleotide position 1127. The aspartic acid at codon 376 is replaced by alanine, an amino acid with dissimilar properties. This amino acid position is conserved. In addition, this alteration is predicted to be tolerated by in silico analysis. Based on the available evidence, the clinical significance of this variant remains unclear.

Blueprint Genetics
Classification: Uncertain significance. Last evaluated: 2020-10-30. Review status: criteria provided, single submitter. Criteria: ACMG Guidelines, 2015. Collection method: clinical testing. Allele origin: germline.

NM_004629.2(FANCG):c.1127A>C (p.Asp376Ala)

Gene: FANCG (FA complementation group G; minus strand). Cytogenetic location: 9p13.3.
Variant type: single nucleotide variant.
Coding change: c.1127A>C on transcript NM_004629.2 (MANE Select); coding-DNA position 1127, A replaced by C.
Protein change: p.Asp376Ala; replaces aspartic acid 376 with alanine.
Molecular consequence: missense variant.
Genome position (GRCh38, 1-based): chr9:35,075,978, T>G on the plus strand (A>C on the coding strand, the complement: FANCG is on the minus strand). VCF-style: chr9-35075978-T-G. GRCh37 (hg19) VCF-style: chr9-35075975-T-G.
Other names: short protein forms D376A.
Identifiers: ClinVar variation 3605928 (VCV003605928.5).